The following is an entry in ClinVar:

NM_000903.3(NQO1):c.785A>G (p.Lys262Arg)

Gene: NQO1 (NAD(P)H quinone dehydrogenase 1; minus strand). Cytogenetic location: 16q22.1.
Variant type: single nucleotide variant.
Coding change: c.785A>G on transcript NM_000903.3 (MANE Select); coding-DNA position 785, A replaced by G.
Protein change: p.Lys262Arg; replaces lysine 262 with arginine.
Molecular consequence: missense variant.
Genome position (GRCh38, 1-based): chr16:69,711,016, T>C on the plus strand (A>G on the coding strand, the complement: NQO1 is on the minus strand). VCF-style: chr16-69711016-T-C. GRCh37 (hg19) VCF-style: chr16-69744919-T-C.
Other names: c.683A>G, p.Lys228Arg (NM_001025433.2); c.671A>G, p.Lys224Arg (NM_001025434.2); c.569A>G, p.Lys190Arg (NM_001286137.2); short protein forms K190R, K224R, K262R, K228R.
Identifiers: ClinVar variation 1760909 (VCV001760909.3), dbSNP rs1187548493, ClinGen allele CA396487353.
Genomic context (GRCh38, chr16:69,711,016, plus strand): 5'-GAAATCCAGGCTAAGGAATCTCATTTTCTAGCTTTGATCTGGTTGTCAGTTGGGATGGAC[T>C]TGCCCAAGTGATGGCCCACAGAAAGGCCAAATTTCTTGTTTTTCTCCTCATCCTGTACCT-3'
Protein context (NP_000894.1, residues 252-272): FGLSVGHHLG[Lys262Arg]SIPTDNQIKA

ClinVar aggregate classification (germline): Uncertain significance (1 of 4 stars; one submission).

Allele frequency attached by ClinVar (database versions not stated): gnomAD exomes below 0.00001; TOPMed 0.00001.
gnomAD v4.1: 3 of 1,614,200 alleles (0.00019%); highest among the groups gnomAD compares: South Asian, 0.0011%; no homozygotes.

Submission:

Ambry Genetics
Classification: Uncertain significance. Last evaluated: 2023-09-12. Review status: criteria provided, single submitter. Criteria: Ambry Variant Classification Scheme 2023. Collection method: clinical testing. Allele origin: germline.
Comment: The p.K262R variant (also known as c.785A>G), located in coding exon 6 of the NQO1 gene, results from an A to G substitution at nucleotide position 785. The lysine at codon 262 is replaced by arginine, an amino acid with highly similar properties. This amino acid position is conserved. In addition, this alteration is predicted to be tolerated by in silico analysis. Since supporting evidence is limited at this time, the clinical significance of this alteration remains unclear.